The following is an entry in ClinVar:

NM_020312.4(COQ9):c.522-9C>A

Gene: COQ9 (coenzyme Q9; plus strand). Cytogenetic location: 16q21.
Variant type: single nucleotide variant.
Coding change: c.522-9C>A on transcript NM_020312.4 (MANE Select); 9 bases into the intron before coding-DNA position 522, C replaced by A.
Molecular consequence: intron variant.
Genome position (GRCh38, 1-based): chr16:57,456,922, C>A. VCF-style: chr16-57456922-C-A. GRCh37 (hg19) VCF-style: chr16-57490834-C-A.
Identifiers: ClinVar variation 2179708 (VCV002179708.5), dbSNP rs536847466, ClinGen allele CA8076254.

ClinVar aggregate classification (germline): Conflicting classifications of pathogenicity. Review status: criteria provided, conflicting classifications (1 of 4 stars). 2 submissions from 2 submitters: Uncertain significance (1); Likely benign (1). Last evaluated 2025-12-20.

Allele frequency attached by ClinVar (database versions not stated): ExAC 0.00001; gnomAD 0.00001; TOPMed 0.00001.
gnomAD v4.1: 19 of 1,610,634 alleles (0.0012%); highest among the groups gnomAD compares: Non-Finnish European, 0.0016%; no homozygotes.

Submissions (2):

Labcorp Genetics (formerly Invitae), Labcorp
Classification: Likely benign. Last evaluated: 2025-12-20. Review status: criteria provided, single submitter. Criteria: Invitae Variant Classification Sherloc (09022015). Collection method: clinical testing. Allele origin: germline.

GeneDx
Classification: Uncertain significance. Last evaluated: 2024-01-30. Review status: criteria provided, single submitter. Criteria: GeneDx Variant Classification Process June 2021. Collection method: clinical testing. Allele origin: germline. Affected: yes.
Comment: Not observed at significant frequency in large population cohorts (gnomAD); In silico analysis supports that this variant does not alter splicing; Has not been previously published as pathogenic or benign to our knowledge